The following is an entry in ClinVar:

NM_003737.4(DCHS1):c.3824_3825del (p.Thr1275fs)

Gene: DCHS1 (dachsous cadherin-related 1; minus strand). Cytogenetic location: 11p15.4.
Variant type: Deletion.
Coding change: c.3824_3825del on transcript NM_003737.4 (MANE Select); coding-DNA positions 3824 to 3825, 2 bases deleted (CT; older notation c.3824_3825delCT).
Protein change: p.Thr1275fs; shifts the reading frame from threonine 1275.
Molecular consequence: frameshift variant.
Genome position (GRCh38, 1-based): chr11:6,631,158-6,631,159, AG deleted on the plus strand (CT on the coding strand, the reverse complement: DCHS1 is on the minus strand). VCF-style (leftmost placement, unchanged base first): chr11-6631157-CAG-C. GRCh37 (hg19) VCF-style: chr11-6652388-CAG-C.
Other names: short protein forms T1275fs.
Identifiers: ClinVar variation 5042765 (VCV005042765.1).
Genomic context (GRCh38, chr11:6,631,157, plus strand): 5'-GGTCATGAGCACTCAGTGTCAGCACATAGTGGGGCCGCTCTGCTCGGATCAGGGGAGCTG[CAG>C]TGAGCAGCTCCCCTGAGTGAGGGTGCAGAGAGAAAAGCTCTGAGCCAGGACCTGGGGACA-3'

ClinVar aggregate classification (germline): Pathogenic (1 of 4 stars; one submission).

Conditions:
Fetal anomalies with a likely genetic cause.

Submission:

Genetics Laboratory, Great Ormond Street Hospital NHS Foundation Trust, North Thames Genomic Laboratory Hub
Classification: Pathogenic for Fetal anomalies with a likely genetic cause. Last evaluated: 2026-09-15. Review status: criteria provided, single submitter. Criteria: ACGS Best Practice Guidelines for Variant Classification in Rare Disease 2024 v1.2. Collection method: clinical testing. Allele origin: germline. Affected: yes.
Comment: PM2_moderate, PVS1_very-strong